The following is an entry in ClinVar:

NM_001005498.4(RHBDF2):c.1011G>T (p.Lys337Asn)

Gene: RHBDF2 (rhomboid 5 homolog 2; minus strand). Cytogenetic location: 17q25.1.
Variant type: single nucleotide variant.
Coding change: c.1011G>T on transcript NM_001005498.4 (MANE Select); coding-DNA position 1011, G replaced by T.
Protein change: p.Lys337Asn; replaces lysine 337 with asparagine.
Molecular consequence: missense variant. On other transcripts: non-coding transcript variant (3).
Genome position (GRCh38, 1-based): chr17:76,476,934, C>A on the plus strand (G>T on the coding strand, the complement: RHBDF2 is on the minus strand). VCF-style: chr17-76476934-C-A. GRCh37 (hg19) VCF-style: chr17-74473016-C-A.
Other names: c.1011G>T, p.Lys337Asn (NM_001376228.1, NM_001376229.1, NM_001376230.1); c.1098G>T, p.Lys366Asn (NM_024599.5); short protein forms K337N, K366N.
Identifiers: ClinVar variation 2727554 (VCV002727554.3), dbSNP rs2073791001, ClinGen allele CA401169808.

ClinVar aggregate classification (germline): Uncertain significance (1 of 4 stars; one submission).

Allele frequency attached by ClinVar (database versions not stated): TOPMed below 0.00001; gnomAD 0.00001; gnomAD exomes 0.00001.
gnomAD v4.1: 5 of 1,613,838 alleles (0.00031%); highest among the groups gnomAD compares: Non-Finnish European, 0.00034%; no homozygotes.

Submission:

Labcorp Genetics (formerly Invitae), Labcorp
Classification: Uncertain significance. Last evaluated: 2024-01-21. Review status: criteria provided, single submitter. Criteria: Invitae Variant Classification Sherloc (09022015). Collection method: clinical testing. Allele origin: germline.
Comment: This sequence change replaces lysine, which is basic and polar, with asparagine, which is neutral and polar, at codon 366 of the RHBDF2 protein (p.Lys366Asn). This variant is not present in population databases (gnomAD no frequency). This variant has not been reported in the literature in individuals affected with RHBDF2-related conditions. An algorithm developed to predict the effect of missense changes on protein structure and function (PolyPhen-2) suggests that this variant is likely to be disruptive. In summary, the available evidence is currently insufficient to determine the role of this variant in disease. Therefore, it has been classified as a Variant of Uncertain Significance.